The following is an entry in ClinVar:

ClinVar aggregate classification (germline): Uncertain significance (1 of 4 stars; one submission).

Allele frequency attached by ClinVar (database versions not stated): TOPMed 0.00002; ESP Exome Variant Server 0.00008.

Submission:

Labcorp Genetics (formerly Invitae), Labcorp
Classification: Uncertain significance. Last evaluated: 2022-06-20. Review status: criteria provided, single submitter. Criteria: Invitae Variant Classification Sherloc (09022015). Collection method: clinical testing. Allele origin: germline.
Comment: This sequence change replaces aspartic acid, which is acidic and polar, with asparagine, which is neutral and polar, at codon 435 of the KCNV2 protein (p.Asp435Asn). This variant is present in population databases (rs376306786, gnomAD 0.0009%). This variant has not been reported in the literature in individuals affected with KCNV2-related conditions. ClinVar contains an entry for this variant (Variation ID: 841675). Algorithms developed to predict the effect of missense changes on protein structure and function are either unavailable or do not agree on the potential impact of this missense change (SIFT: "Deleterious"; PolyPhen-2: "Probably Damaging"; Align-GVGD: "Class C0"). In summary, the available evidence is currently insufficient to determine the role of this variant in disease. Therefore, it has been classified as a Variant of Uncertain Significance.

NM_133497.4(KCNV2):c.1303G>A (p.Asp435Asn)

Gene: KCNV2 (potassium voltage-gated channel modifier subfamily V member 2; plus strand). Cytogenetic location: 9p24.2.
Variant type: single nucleotide variant.
Coding change: c.1303G>A on transcript NM_133497.4 (MANE Select); coding-DNA position 1303, G replaced by A.
Protein change: p.Asp435Asn; replaces aspartic acid 435 with asparagine.
Molecular consequence: missense variant.
Genome position (GRCh38, 1-based): chr9:2,719,042, G>A. VCF-style: chr9-2719042-G-A. GRCh37 (hg19) VCF-style: chr9-2719042-G-A.
Other names: short protein forms D435N.
Identifiers: ClinVar variation 841675 (VCV000841675.7), dbSNP rs376306786, ClinGen allele CA4965851.